The following is an entry in ClinVar:

ClinVar aggregate classification (germline): Pathogenic (1 of 4 stars; one submission).

Conditions:
Walker-Warburg congenital muscular dystrophy. Also called: Muscular dystrophy-dystroglycanopathy, type A; Walker-Warburg syndrome. Identifiers: Orphanet 899, MedGen C0265221, MONDO:0000171.

Submission:

Labcorp Genetics (formerly Invitae), Labcorp
Classification: Pathogenic for Walker-Warburg congenital muscular dystrophy. Last evaluated: 2025-09-22. Review status: criteria provided, single submitter. Criteria: Invitae Variant Classification Sherloc (09022015). Collection method: clinical testing. Allele origin: germline.
Comment: This sequence change creates a premature translational stop signal (p.Gln437*) in the FKRP gene. While this is not anticipated to result in nonsense mediated decay, it is expected to disrupt the last 59 amino acid(s) of the FKRP protein. This variant is not present in population databases (gnomAD no frequency). This variant has not been reported in the literature in individuals affected with FKRP-related conditions. This variant disrupts a region of the FKRP protein in which other variant(s) (p.Ile478Thr) have been determined to be pathogenic (PMID: 16476814, 18639457, 19299310). This suggests that this is a clinically significant region of the protein, and that variants that disrupt it are likely to be disease-causing. For these reasons, this variant has been classified as Pathogenic.

Literature cited by the submitters: PubMed 16476814; PubMed 18639457; PubMed 19299310.

NM_024301.5(FKRP):c.1309C>T (p.Gln437Ter)

Gene: FKRP (fukutin related protein; plus strand). Cytogenetic location: 19q13.32.
Variant type: single nucleotide variant.
Coding change: c.1309C>T on transcript NM_024301.5 (MANE Select); coding-DNA position 1309, C replaced by T.
Protein change: p.Gln437Ter; replaces glutamine 437 with a stop codon.
Molecular consequence: nonsense.
Genome position (GRCh38, 1-based): chr19:46,756,759, C>T. VCF-style: chr19-46756759-C-T. GRCh37 (hg19) VCF-style: chr19-47260016-C-T.
Other names: c.1309C>T, p.Gln437Ter (NM_001039885.3); short protein forms Q437*.
Identifiers: ClinVar variation 4727620 (VCV004727620.1).
Genomic context (GRCh38, chr19:46,756,759, plus strand): 5'-CTGTGGCCCTTCTACCCCCGCAATGGCGTCATGACCAAGGACACGTGGCTGGACCACCGG[C>T]AGGATGTGGAGTTTCCCGAGCACTTCCTGCAGCCGCTGGTGCCCCTGCCCTTTGCCGGCT-3'